The following is an entry in ClinVar:

ClinVar aggregate classification (germline): Uncertain significance (1 of 4 stars; one submission).

Conditions:
Immunodeficiency, common variable, 4. Also called: ANTIBODY DEFICIENCY DUE TO BAFFR DEFECT. Identifiers: Orphanet 1572, Orphanet 696925, MedGen C3150739, MONDO:0013284, OMIM 613494.

Submission:

Labcorp Genetics (formerly Invitae), Labcorp
Classification: Uncertain significance for Immunodeficiency, common variable, 4. Last evaluated: 2023-08-01. Review status: criteria provided, single submitter. Criteria: Invitae Variant Classification Sherloc (09022015). Collection method: clinical testing. Allele origin: germline.
Comment: This variant, c.196_213del, results in the deletion of 6 amino acid(s) of the TNFRSF13C protein (p.Gly66_Ala71del), but otherwise preserves the integrity of the reading frame. This variant is not present in population databases (gnomAD no frequency). This variant has not been reported in the literature in individuals affected with TNFRSF13C-related conditions. In summary, the available evidence is currently insufficient to determine the role of this variant in disease. Therefore, it has been classified as a Variant of Uncertain Significance. Experimental studies and prediction algorithms are not available or were not evaluated, and the functional significance of this variant is currently unknown.

NM_052945.4(TNFRSF13C):c.196_213del (p.Gly66_Ala71del)

Genes: TNFRSF13C (TNF receptor superfamily member 13C; minus strand), LOC130067574 (ATAC-STARR-seq lymphoblastoid silent region 13813; plus strand). Cytogenetic location: 22q13.2.
Variant type: Deletion.
Coding change: c.196_213del on transcript NM_052945.4 (MANE Select); coding-DNA positions 196 to 213, 18 bases deleted (GGGGCCGGCGAGGCGGCG).
Protein change: p.Gly66_Ala71del.
Molecular consequence: inframe deletion.
Genome position (GRCh38, 1-based): chr22:41,926,255-41,926,272, CGCCGCCTCGCCGGCCCC deleted on the plus strand (GGGGCCGGCGAGGCGGCG on the coding strand, the reverse complement: TNFRSF13C is on the minus strand); deleting any 18 consecutive bases within chr22:41,926,255-41,926,275 gives the same sequence; the c. name uses the placement nearest the transcript's 3' end. VCF-style (leftmost placement, unchanged base first): chr22-41926254-GCGCCGCCTCGCCGGCCCC-G. GRCh37 (hg19) VCF-style: chr22-42322258-GCGCCGCCTCGCCGGCCCC-G.
Identifiers: ClinVar variation 2749101 (VCV002749101.3), dbSNP rs2518791200, ClinGen allele CA2657004540.